The following is an entry in ClinVar:

ClinVar aggregate classification (germline): Uncertain significance (1 of 4 stars; one submission).

Conditions:
Vici syndrome (VICIS). Identifiers: Orphanet 1493, MedGen C1855772, MONDO:0009452, OMIM 242840.

gnomAD v4.1: 1 of 1,613,224 alleles (0.000062%); no homozygotes.

Submission:

Labcorp Genetics (formerly Invitae), Labcorp
Classification: Uncertain significance for Vici syndrome. Last evaluated: 2021-11-14. Review status: criteria provided, single submitter. Criteria: Invitae Variant Classification Sherloc (09022015). Collection method: clinical testing. Allele origin: germline.
Comment: In summary, the available evidence is currently insufficient to determine the role of this variant in disease. Therefore, it has been classified as a Variant of Uncertain Significance. Algorithms developed to predict the effect of missense changes on protein structure and function are either unavailable or do not agree on the potential impact of this missense change (SIFT: "Deleterious"; PolyPhen-2: "Probably Damaging"; Align-GVGD: "Class C0"). This variant has not been reported in the literature in individuals affected with EPG5-related conditions. This variant is not present in population databases (gnomAD no frequency). This sequence change replaces tryptophan, which is neutral and slightly polar, with cysteine, which is neutral and slightly polar, at codon 1774 of the EPG5 protein (p.Trp1774Cys).

NM_020964.3(EPG5):c.5322G>T (p.Trp1774Cys)

Gene: EPG5 (ectopic P-granules 5 autophagy tethering factor; minus strand). Cytogenetic location: 18q12.3.
Variant type: single nucleotide variant.
Coding change: c.5322G>T on transcript NM_020964.3 (MANE Select); coding-DNA position 5322, G replaced by T.
Protein change: p.Trp1774Cys; replaces tryptophan 1774 with cysteine.
Molecular consequence: missense variant.
Genome position (GRCh38, 1-based): chr18:45,882,470, C>A on the plus strand (G>T on the coding strand, the complement: EPG5 is on the minus strand). VCF-style: chr18-45882470-C-A. GRCh37 (hg19) VCF-style: chr18-43462435-C-A.
Other names: short protein forms W1774C.
Identifiers: ClinVar variation 1349096 (VCV001349096.7), dbSNP rs2145423076, ClinGen allele CA402344989.